The following is an entry in ClinVar:

NM_015559.3(SETBP1):c.3347A>G (p.His1116Arg)

Gene: SETBP1 (SET binding protein 1; plus strand). Cytogenetic location: 18q12.3.
Variant type: single nucleotide variant.
Coding change: c.3347A>G on transcript NM_015559.3 (MANE Select); coding-DNA position 3347, A replaced by G.
Protein change: p.His1116Arg; replaces histidine 1116 with arginine.
Molecular consequence: missense variant.
Genome position (GRCh38, 1-based): chr18:44,952,687, A>G. VCF-style: chr18-44952687-A-G. GRCh37 (hg19) VCF-style: chr18-42532652-A-G.
Other names: c.3347A>G, p.His1116Arg (NM_001379141.1, NM_001379142.1); short protein forms H1116R.
Identifiers: ClinVar variation 1450990 (VCV001450990.14), dbSNP rs765137543, ClinGen allele CA8945886.

ClinVar aggregate classification (germline): Likely benign. Review status: criteria provided, multiple submitters, no conflicts (2 of 4 stars). 2 submissions from 2 submitters: Likely benign (2). Last evaluated 2025-10-01.

Allele frequency attached by ClinVar (database versions not stated): gnomAD 0.00001 and 0.00002; TOPMed 0.00002; gnomAD exomes 0.00003 and 0.00006; ExAC 0.00007.
gnomAD v4.1: 51 of 1,613,996 alleles (0.0032%); highest among the groups gnomAD compares: South Asian, 0.016%; no homozygotes.

Submissions (2):

CeGaT Center for Human Genetics Tuebingen
Classification: Likely benign. Last evaluated: 2025-10-01. Review status: criteria provided, single submitter. Criteria: CeGaT Center For Human Genetics Tuebingen Variant Classification Criteria Version 2. Collection method: clinical testing. Allele origin: germline. Affected: yes. Observed: 1 variant allele.
Comment: SETBP1: BP4, BS2

Labcorp Genetics (formerly Invitae), Labcorp
Classification: Likely benign. Last evaluated: 2024-11-12. Review status: criteria provided, single submitter. Criteria: Invitae Variant Classification Sherloc (09022015). Collection method: clinical testing. Allele origin: germline.